The following is an entry in ClinVar:

ClinVar aggregate classification (germline): Likely benign. Review status: criteria provided, multiple submitters, no conflicts (2 of 4 stars). 2 submissions from 2 submitters: Likely benign (2). Last evaluated 2025-02-01.

Allele frequency attached by ClinVar (database versions not stated): ExAC 0.00003; TOPMed 0.00004; gnomAD 0.00005; ESP Exome Variant Server 0.00038.
gnomAD v4.1: 61 of 1,613,818 alleles (0.0038%); highest among the groups gnomAD compares: Non-Finnish European, 0.005%; no homozygotes.

Submissions (2):

CeGaT Center for Human Genetics Tuebingen
Classification: Likely benign. Last evaluated: 2025-02-01. Review status: criteria provided, single submitter. Criteria: CeGaT Center For Human Genetics Tuebingen Variant Classification Criteria Version 2. Collection method: clinical testing. Allele origin: germline. Affected: yes. Observed: 1 variant allele.
Comment: CEP250: BP4, BP7

Labcorp Genetics (formerly Invitae), Labcorp
Classification: Likely benign. Last evaluated: 2024-12-31. Review status: criteria provided, single submitter. Criteria: Invitae Variant Classification Sherloc (09022015). Collection method: clinical testing. Allele origin: germline.

NM_007186.6(CEP250):c.2659C>T (p.Leu887=)

Genes: CEP250 (centrosomal protein 250; plus strand), CEP250-AS1 (CEP250 antisense RNA 1; minus strand). Cytogenetic location: 20q11.22.
Variant type: single nucleotide variant.
Coding change: c.2659C>T on transcript NM_007186.6 (MANE Select); coding-DNA position 2659, C replaced by T.
Protein change: p.Leu887=; no amino-acid change (leucine 887 retained).
Molecular consequence: synonymous variant.
Genome position (GRCh38, 1-based): chr20:35,490,709, C>T. VCF-style: chr20-35490709-C-T. GRCh37 (hg19) VCF-style: chr20-34078535-C-T.
Other names: c.763C>T, p.Leu255= (NM_001318219.1).
Identifiers: ClinVar variation 2416073 (VCV002416073.21), dbSNP rs148435226, ClinGen allele CA9833245.